The following is an entry in ClinVar:

NM_001267550.2(TTN):c.13942G>A (p.Glu4648Lys)

Gene: TTN (titin; minus strand). Cytogenetic location: 2q31.2.
Variant type: single nucleotide variant.
Coding change: c.13942G>A on transcript NM_001267550.2 (MANE Select); coding-DNA position 13942, G replaced by A.
Protein change: p.Glu4648Lys; replaces glutamic acid 4648 with lysine.
Molecular consequence: missense variant. On other transcripts: intron variant (1).
Genome position (GRCh38, 1-based): chr2:178,739,291, C>T on the plus strand (G>A on the coding strand, the complement: TTN is on the minus strand). VCF-style: chr2-178739291-C-T. GRCh37 (hg19) VCF-style: chr2-179604018-C-T.
Other names: c.12991G>A, p.Glu4331Lys (NM_001256850.1); c.12853G>A, p.Glu4285Lys (NM_003319.4); c.13228G>A, p.Glu4410Lys (NM_133432.3); c.13429G>A, p.Glu4477Lys (NM_133437.4); c.10361-931G>A (NM_133378.4); short protein forms E4331K, E4648K, E4285K, E4477K, E4410K.
Identifiers: ClinVar variation 451528 (VCV000451528.3), dbSNP rs1553936042, ClinGen allele CA349605617.

ClinVar aggregate classification (germline): Uncertain significance (1 of 4 stars; one submission).

Conditions:
TTN-related disorder. Also called: TTN-related condition; TTN-related disease; TTN-related disorders.

Submission:

GeneDx
Classification: Uncertain significance. Last evaluated: 2017-09-07. Review status: criteria provided, single submitter. Criteria: GeneDx Variant Classification (06012015). Collection method: clinical testing. Allele origin: germline. Affected: yes.
Comment: The E4331K variant in the TTN gene has not been reported previously as a pathogenic variant, nor as a benign variant, to our knowledge. The E4331K variant is not observed in large population cohorts (Lek et al., 2016; 1000 Genomes Consortium et al., 2015; Exome Variant Server). The E4331K variant is a non-conservative amino acid substitution, which is likely to impact secondary protein structure as these residues differ in polarity, charge, size and/or other properties. This substitution occurs at a position that is not conserved. In silico analysis is inconsistent in its predictions as to whether or not the variant is damaging to the protein structure/function. We interpret E4331K as a variant of uncertain significance.